The following is an entry in ClinVar:

ClinVar aggregate classification (germline): Benign (1 of 4 stars; one submission).

Conditions:
Amelogenesis imperfecta (AI). Also called: Congenital enamel hypoplasia. Identifiers: Orphanet 88661, MedGen C0002452, MONDO:0019507, HP:0000705.

Allele frequency attached by ClinVar (database versions not stated): gnomAD 0.03000 and 0.03199; TOPMed 0.03355; 1000 Genomes Project 0.03415; 1000 Genomes Project 30x 0.03732.

Submission:

Illumina Laboratory Services, Illumina
Classification: Benign for Amelogenesis imperfecta. Last evaluated: 2018-01-13. Review status: criteria provided, single submitter. Criteria: ICSL Variant Classification Criteria 13 December 2019. Collection method: clinical testing. Allele origin: germline.
Comment: This variant was observed in the ICSL laboratory as part of a predisposition screen in an ostensibly healthy population. It had not been previously curated by ICSL or reported in the Human Gene Mutation Database (HGMD: prior to June 1st, 2018), and was therefore a candidate for classification through an automated scoring system. Utilizing variant allele frequency, disease prevalence and penetrance estimates, and inheritance mode, an automated score was calculated to assess if this variant is too frequent to cause the disease. Based on the score and internal cut-off values, a variant classified as benign is not then subjected to further curation. The score for this variant resulted in a classification of benign for this disease.

NM_031889.3(ENAM):c.*1635G>C

Gene: ENAM (enamelin; plus strand). Cytogenetic location: 4q13.3.
Variant type: single nucleotide variant.
Coding change: c.*1635G>C on transcript NM_031889.3 (MANE Select); 1635 bases downstream of the stop codon, G replaced by C.
Molecular consequence: 3 prime UTR variant.
Genome position (GRCh38, 1-based): chr4:70,646,490, G>C. VCF-style: chr4-70646490-G-C. GRCh37 (hg19) VCF-style: chr4-71512207-G-C.
Other names: c.*1635G>C (NM_001368133.1).
Identifiers: ClinVar variation 349526 (VCV000349526.5), dbSNP rs73824820, ClinGen allele CA10621629.